The following is an entry in ClinVar:

NC_000012.11:g.(?_12870767)_(12871880_?)dup

Gene: CDKN1B (cyclin dependent kinase inhibitor 1B; plus strand). Cytogenetic location: 12p13.1.
Variant type: Duplication.
Identifiers: ClinVar variation 3244322 (VCV003244322.1).

ClinVar aggregate classification (germline): Uncertain significance (1 of 4 stars; one submission).

Conditions:
Multiple endocrine neoplasia type 4. Also called: MULTIPLE ENDOCRINE NEOPLASIA, TYPE IV. Identifiers: Orphanet 276152, MedGen C1970712, MONDO:0012552, OMIM 610755.

Submission:

Labcorp Genetics (formerly Invitae), Labcorp
Classification: Uncertain significance for Multiple endocrine neoplasia type 4. Last evaluated: 2023-12-03. Review status: criteria provided, single submitter. Criteria: Invitae Variant Classification Sherloc (09022015). Collection method: clinical testing. Allele origin: unknown.
Comment: A copy number gain of the genomic region encompassing the full coding sequence of the CDKN1B gene has been identified. The boundaries of this event are unknown as they extend beyond the assayed region for this gene and therefore may encompass additional genes. As the precise location of this event is unknown, it may be in tandem or it may be located elsewhere in the genome. This variant has not been reported in the literature in individuals affected with CDKN1B-related conditions. Experimental studies and prediction algorithms are not available or were not evaluated, and the functional significance of this variant is currently unknown. In summary, the available evidence is currently insufficient to determine the role of this variant in disease. Therefore, it has been classified as a Variant of Uncertain Significance.